The following is an entry in ClinVar:

ClinVar aggregate classification (germline): Pathogenic (1 of 4 stars; one submission).

Conditions:
Larsen-like syndrome, B3GAT3 type. Also called: Multiple joint dislocations, short stature, craniofacial dysmorphism, with or without congenital heart defects; MULTIPLE JOINT DISLOCATIONS, SHORT STATURE, AND CRANIOFACIAL DYSMORPHISM WITH OR WITHOUT CONGENITAL HEART DEFECTS. Identifiers: Orphanet 284139, MedGen CN034159, MONDO:0009511, OMIM 245600.

Submission:

Labcorp Genetics (formerly Invitae), Labcorp
Classification: Pathogenic for Larsen-like syndrome, B3GAT3 type. Last evaluated: 2022-05-17. Review status: criteria provided, single submitter. Criteria: Invitae Variant Classification Sherloc (09022015). Collection method: clinical testing. Allele origin: germline.
Comment: This variant has not been reported in the literature in individuals affected with B3GAT3-related conditions. This sequence change creates a premature translational stop signal (p.Gln46Argfs*4) in the B3GAT3 gene. It is expected to result in an absent or disrupted protein product. Loss-of-function variants in B3GAT3 are known to be pathogenic (PMID: 25893793, 27871226). This variant is not present in population databases (gnomAD no frequency). For these reasons, this variant has been classified as Pathogenic.

Literature cited by the submitters: PubMed 25893793; PubMed 27871226.

NM_012200.4(B3GAT3):c.135del (p.Gln46fs)

Gene: B3GAT3 (beta-1,3-glucuronyltransferase 3; minus strand). Cytogenetic location: 11q12.3.
Variant type: Deletion.
Coding change: c.135del on transcript NM_012200.4 (MANE Select); coding-DNA position 135, one base deleted (G; older notation c.135delG).
Protein change: p.Gln46fs; shifts the reading frame from glutamine 46.
Molecular consequence: frameshift variant. On other transcripts: non-coding transcript variant (1).
Genome position (GRCh38, 1-based): chr11:62,620,619, C deleted on the plus strand (G on the coding strand, the reverse complement: B3GAT3 is on the minus strand); the first of 2 consecutive C bases (chr11:62,620,619-62,620,620); deleting either gives the same sequence. VCF-style (leftmost placement, unchanged base first): chr11-62620618-GC-G. GRCh37 (hg19) VCF-style: chr11-62388090-GC-G.
Other names: c.114del, p.Gln39fs (NM_001288721.2); c.135del, p.Gln46fs (NM_001288722.2, NM_001288723.2); short protein forms Q46fs, Q39fs.
Identifiers: ClinVar variation 1995805 (VCV001995805.4), dbSNP rs2496251561, ClinGen allele CA2580084387.